The following is an entry in ClinVar:

NM_002180.3(IGHMBP2):c.2821C>T (p.Arg941Trp)

Gene: IGHMBP2 (immunoglobulin mu DNA binding protein 2; plus strand). Cytogenetic location: 11q13.3.
Variant type: single nucleotide variant.
Coding change: c.2821C>T on transcript NM_002180.3 (MANE Select); coding-DNA position 2821, C replaced by T.
Protein change: p.Arg941Trp; replaces arginine 941 with tryptophan.
Molecular consequence: missense variant.
Genome position (GRCh38, 1-based): chr11:68,939,570, C>T. VCF-style: chr11-68939570-C-T. GRCh37 (hg19) VCF-style: chr11-68707038-C-T.
Other names: short protein forms R941W.
Identifiers: ClinVar variation 948461 (VCV000948461.8), dbSNP rs557641477, ClinGen allele CA6154032.

ClinVar aggregate classification (germline): Uncertain significance. Review status: criteria provided, multiple submitters, no conflicts (2 of 4 stars). 2 submissions from 2 submitters: Uncertain significance (2). Last evaluated 2023-01-10.

Conditions:
Autosomal recessive distal spinal muscular atrophy 1. Also called: NEURONOPATHY, SEVERE INFANTILE AXONAL, WITH RESPIRATORY FAILURE; SEVERE INFANTILE AXONAL NEUROPATHY WITH RESPIRATORY FAILURE; NEURONOPATHY, DISTAL HEREDITARY MOTOR, HARDING TYPE VI; NEUROPATHY, DISTAL HEREDITARY MOTOR, AUTOSOMAL RECESSIVE 1; SPINAL MUSCULAR ATROPHY, DIAPHRAGMATIC; Spinal muscular atrophy with respiratory distress 1. Identifiers: Orphanet 98920, MedGen C1858517, MONDO:0011436, OMIM 604320.
Charcot-Marie-Tooth disease axonal type 2S. Also called: CHARCOT-MARIE-TOOTH NEUROPATHY, TYPE 2S; CHARCOT-MARIE-TOOTH DISEASE, AXONAL, AUTOSOMAL RECESSIVE, TYPE 2S. Identifiers: Orphanet 443073, MedGen C4015349, MONDO:0014511, OMIM 616155.
Inborn genetic diseases. Identifiers: MedGen C0950123, MeSH D030342.

Allele frequency attached by ClinVar (database versions not stated): gnomAD 0.00001; gnomAD exomes 0.00002; TOPMed 0.00002; ExAC 0.00003.
gnomAD v4.1: 18 of 1,612,672 alleles (0.0011%); highest among the groups gnomAD compares: East Asian, 0.0045%; no homozygotes.

Submissions (2):

Ambry Genetics
Classification: Uncertain significance for Inborn genetic diseases. Last evaluated: 2023-01-10. Review status: criteria provided, single submitter. Criteria: Ambry Variant Classification Scheme 2023. Collection method: clinical testing. Allele origin: germline.

Labcorp Genetics (formerly Invitae), Labcorp
Classification: Uncertain significance for Autosomal recessive distal spinal muscular atrophy 1; Charcot-Marie-Tooth disease axonal type 2S. Last evaluated: 2021-08-31. Review status: criteria provided, single submitter. Criteria: Invitae Variant Classification Sherloc (09022015). Collection method: clinical testing. Allele origin: germline.
Comment: This sequence change replaces arginine with tryptophan at codon 941 of the IGHMBP2 protein (p.Arg941Trp). The arginine residue is highly conserved and there is a moderate physicochemical difference between arginine and tryptophan. This variant is present in population databases (rs557641477, ExAC 0.02%). This variant has not been reported in the literature in individuals affected with IGHMBP2-related conditions. Algorithms developed to predict the effect of missense changes on protein structure and function are either unavailable or do not agree on the potential impact of this missense change (SIFT: "Deleterious"; PolyPhen-2: "Probably Damaging"; Align-GVGD: "Class C0"). In summary, the available evidence is currently insufficient to determine the role of this variant in disease. Therefore, it has been classified as a Variant of Uncertain Significance.